The following is an entry in ClinVar:

ClinVar aggregate classification (germline): Conflicting classifications of pathogenicity. Review status: criteria provided, conflicting classifications (1 of 4 stars). 4 submissions from 4 submitters: Uncertain significance (3); Likely benign (1). Last evaluated 2026-01-31.

Conditions:
Cardiovascular phenotype. Identifiers: MedGen CN230736.
Hereditary cancer-predisposing syndrome. Also called: Hereditary neoplastic syndrome; Tumor predisposition; Hereditary Cancer Syndrome; Neoplastic Syndromes, Hereditary. Identifiers: Orphanet 140162, MedGen C0027672, MeSH D009386, MONDO:0015356.
Neurofibromatosis, type 1 (NF1). Also called: Peripheral type neurofibromatosis; Neurofibromatosis, type I; VON RECKLINGHAUSEN DISEASE; NEUROFIBROMATOSIS, TYPE I, SOMATIC. Identifiers: Orphanet 636, MedGen C0027831, MONDO:0018975, OMIM 162200. Disease mechanism: loss of function.

Allele frequency attached by ClinVar (database versions not stated): TOPMed below 0.00001; ExAC 0.00001; gnomAD 0.00001; gnomAD exomes 0.00001.
gnomAD v4.1: 10 of 1,609,168 alleles (0.00062%); highest among the groups gnomAD compares: African/African-American, 0.0013%; no homozygotes.

Submissions (4):

Labcorp Genetics (formerly Invitae), Labcorp
Classification: Likely benign for Neurofibromatosis, type 1. Last evaluated: 2026-01-31. Review status: criteria provided, single submitter. Criteria: Invitae Variant Classification Sherloc (09022015). Collection method: clinical testing. Allele origin: germline.

Ambry Genetics
Classification: Uncertain significance for Cardiovascular phenotype; Hereditary cancer-predisposing syndrome. Last evaluated: 2025-09-25. Review status: criteria provided, single submitter. Criteria: Ambry Variant Classification Scheme 2023. Collection method: clinical testing. Allele origin: germline.
Comment: The p.I86V variant (also known as c.256A>G), located in coding exon 3 of the NF1 gene, results from an A to G substitution at nucleotide position 256. The isoleucine at codon 86 is replaced by valine, an amino acid with highly similar properties. This amino acid position is highly conserved in available vertebrate species. In addition, the in silico prediction for this alteration is inconclusive. Since supporting evidence is limited at this time, the clinical significance of this alteration remains unclear.

New York Genome Center
Classification: Uncertain significance for Neurofibromatosis, type 1. Last evaluated: 2023-07-24. Review status: criteria provided, single submitter. Criteria: NYGC Assertion Criteria 2020. Collection method: clinical testing. Allele origin: inherited. Observed: 1 heterozygote.

Genome-Nilou Lab
Classification: Uncertain significance for Neurofibromatosis, type 1. Last evaluated: 2022-03-15. Review status: criteria provided, single submitter. Criteria: ACMG Guidelines, 2015. Collection method: clinical testing. Allele origin: germline. Affected: no.

NM_001042492.3(NF1):c.256A>G (p.Ile86Val)

Gene: NF1 (neurofibromin 1; plus strand). Cytogenetic location: 17q11.2.
Variant type: single nucleotide variant.
Coding change: c.256A>G on transcript NM_001042492.3 (MANE Select); coding-DNA position 256, A replaced by G.
Protein change: p.Ile86Val; replaces isoleucine 86 with valine.
Molecular consequence: missense variant.
Genome position (GRCh38, 1-based): chr17:31,159,061, A>G. VCF-style: chr17-31159061-A-G. GRCh37 (hg19) VCF-style: chr17-29486079-A-G.
Other names: c.256A>G, p.Ile86Val (NM_000267.4, NM_001128147.3); short protein forms I86V.
Identifiers: ClinVar variation 579548 (VCV000579548.16), dbSNP rs757057811, ClinGen allele CA8485510.